The following is an entry in ClinVar:

NM_001099271.2(POC5):c.722A>G (p.Lys241Arg)

Gene: POC5 (POC5 centriolar protein; minus strand). Cytogenetic location: 5q13.3.
Variant type: single nucleotide variant.
Coding change: c.722A>G on transcript NM_001099271.2 (MANE Select); coding-DNA position 722, A replaced by G.
Protein change: p.Lys241Arg; replaces lysine 241 with arginine.
Molecular consequence: missense variant.
Genome position (GRCh38, 1-based): chr5:75,692,469, T>C on the plus strand (A>G on the coding strand, the complement: POC5 is on the minus strand). VCF-style: chr5-75692469-T-C. GRCh37 (hg19) VCF-style: chr5-74988294-T-C.
Other names: c.647A>G, p.Lys216Arg (NM_152408.3); short protein forms K241R, K216R.
Identifiers: ClinVar variation 1367039 (VCV001367039.6), dbSNP rs374161588, ClinGen allele CA3310503.

ClinVar aggregate classification (germline): Uncertain significance (1 of 4 stars; one submission).

Allele frequency attached by ClinVar (database versions not stated): gnomAD exomes below 0.00001 and 0.00002; ExAC 0.00003; TOPMed 0.00005; gnomAD 0.00006 and 0.00008; ESP Exome Variant Server 0.00008.

Submission:

Labcorp Genetics (formerly Invitae), Labcorp
Classification: Uncertain significance. Last evaluated: 2025-09-05. Review status: criteria provided, single submitter. Criteria: Invitae Variant Classification Sherloc (09022015). Collection method: clinical testing. Allele origin: germline.
Comment: This sequence change replaces lysine, which is basic and polar, with arginine, which is basic and polar, at codon 241 of the POC5 protein (p.Lys241Arg). This variant is present in population databases (rs374161588, gnomAD 0.02%). This variant has not been reported in the literature in individuals affected with POC5-related conditions. ClinVar contains an entry for this variant (Variation ID: 1367039). An algorithm developed to predict the effect of missense changes on protein structure and function (PolyPhen-2) suggests that this variant is likely to be disruptive. Algorithms developed to predict the effect of sequence changes on RNA splicing suggest that this variant may disrupt the consensus splice site. In summary, the available evidence is currently insufficient to determine the role of this variant in disease. Therefore, it has been classified as a Variant of Uncertain Significance.